The following is an entry in ClinVar:

NM_001365951.3(KIF1B):c.690C>T (p.His230=)

Gene: KIF1B (kinesin family member 1B; plus strand). Cytogenetic location: 1p36.22.
Variant type: single nucleotide variant.
Coding change: c.690C>T on transcript NM_001365951.3 (MANE Select); coding-DNA position 690, C replaced by T.
Protein change: p.His230=; no amino-acid change (histidine 230 retained).
Molecular consequence: synonymous variant.
Genome position (GRCh38, 1-based): chr1:10,268,233, C>T. VCF-style: chr1-10268233-C-T. GRCh37 (hg19) VCF-style: chr1-10328291-C-T.
Other names: c.690C>T, p.His230= (NM_001365952.1, NM_001365953.1, NM_015074.3 and 1 more transcripts).
Identifiers: ClinVar variation 1104599 (VCV001104599.18), dbSNP rs761836784, ClinGen allele CA580754.

ClinVar aggregate classification (germline): Benign/Likely benign. Review status: criteria provided, multiple submitters, no conflicts (2 of 4 stars). 3 submissions from 3 submitters: Benign (1); Likely benign (2). Last evaluated 2025-03-01.

Conditions:
Charcot-Marie-Tooth disease type 2. Also called: Charcot-Marie-Tooth type 2. Identifiers: Orphanet 64746, MedGen C0270914, MONDO:0018993.

Allele frequency attached by ClinVar (database versions not stated): ExAC 0.00002; gnomAD exomes 0.00002; gnomAD 0.00004; TOPMed 0.00005.
gnomAD v4.1: 31 of 1,612,558 alleles (0.0019%); highest among the groups gnomAD compares: African/African-American, 0.0093%; no homozygotes.

Submissions (3):

CeGaT Center for Human Genetics Tuebingen
Classification: Likely benign. Last evaluated: 2025-03-01. Review status: criteria provided, single submitter. Criteria: CeGaT Center For Human Genetics Tuebingen Variant Classification Criteria Version 2. Collection method: clinical testing. Allele origin: germline. Affected: yes. Observed: 1 variant allele.
Comment: KIF1B: BP4, BP7

Labcorp Genetics (formerly Invitae), Labcorp
Classification: Likely benign for Charcot-Marie-Tooth disease type 2. Last evaluated: 2023-11-24. Review status: criteria provided, single submitter. Criteria: Invitae Variant Classification Sherloc (09022015). Collection method: clinical testing. Allele origin: germline.

Ambry Genetics
Classification: Benign. Last evaluated: 2021-09-30. Review status: criteria provided, single submitter. Criteria: Ambry Variant Classification Scheme 2023. Collection method: clinical testing. Allele origin: germline.